The following is an entry in ClinVar:

ClinVar aggregate classification (germline): Uncertain significance. Review status: criteria provided, multiple submitters, no conflicts (2 of 4 stars). 4 submissions from 4 submitters: Uncertain significance (3). 1 of the submissions does not count toward it. Last evaluated 2025-08-18.

Conditions:
Hereditary cancer-predisposing syndrome. Also called: Tumor predisposition; Hereditary neoplastic syndrome; Hereditary Cancer Syndrome; Neoplastic Syndromes, Hereditary. Identifiers: Orphanet 140162, MedGen C0027672, MeSH D009386, MONDO:0015356.
BRCA1-related disorder. Also called: BRCA1-related condition.
Hereditary breast ovarian cancer syndrome. Also called: Hereditary breast and ovarian cancer; Breast and ovarian cancer; Hereditary breast and ovarian cancer syndrome; BRCA1- and BRCA2-Associated Hereditary Breast and Ovarian Cancer; Hereditary breast and/or ovarian cancer syndrome; Hereditary breast and ovarian cancer syndrome (HBOC). Identifiers: Orphanet 145, MedGen C0677776, MeSH D061325, MONDO:0003582. Disease mechanism: loss of function.

Submissions (4):

Labcorp Genetics (formerly Invitae), Labcorp
Classification: Uncertain significance for Hereditary breast ovarian cancer syndrome. Last evaluated: 2025-08-18. Review status: criteria provided, single submitter. Criteria: Invitae Variant Classification Sherloc (09022015). Collection method: clinical testing. Allele origin: germline.
Comment: This sequence change falls in intron 13 of the BRCA1 gene. It does not directly change the encoded amino acid sequence of the BRCA1 protein. It affects a nucleotide within the consensus splice site. This variant is not present in population databases (gnomAD no frequency). This variant has not been reported in the literature in individuals affected with BRCA1-related conditions. ClinVar contains an entry for this variant (Variation ID: 578400). Variants that disrupt the consensus splice site are a relatively common cause of aberrant splicing (PMID: 17576681, 9536098). Algorithms developed to predict the effect of sequence changes on RNA splicing suggest that this variant may disrupt the consensus splice site. In summary, the available evidence is currently insufficient to determine the role of this variant in disease. Therefore, it has been classified as a Variant of Uncertain Significance.

Ambry Genetics
Classification: Uncertain significance for Hereditary cancer-predisposing syndrome. Last evaluated: 2025-07-29. Review status: criteria provided, single submitter. Criteria: Ambry Variant Classification Scheme 2023. Collection method: clinical testing. Allele origin: germline.
Comment: The c.4484+4A>G intronic variant results from an A to G substitution 4 nucleotides after coding exon 12 in the BRCA1 gene. This nucleotide position is highly conserved in available vertebrate species. In silico splice site analysis predicts that this alteration may weaken the native splice donor site. RNA studies have demonstrated that this alteration results in a splice defect; the clinical impact of this abnormal splicing is unknown at this time (Ambry internal data). Based on the available evidence, the clinical significance of this variant remains unclear.

Color Diagnostics, LLC DBA Color Health
Classification: Uncertain significance for Hereditary cancer-predisposing syndrome. Last evaluated: 2025-07-08. Review status: criteria provided, single submitter. Criteria: ACMG Guidelines, 2015. Collection method: clinical testing. Allele origin: germline.
Comment: This variant causes an A to G nucleotide substitution at the +4 position of intron 13/22 of the BRCA1 gene. Splice site prediction tools predict that this variant may weaken the intron 13 splice donor site (PMID: 30661751, 35449021). To our knowledge, functional and RNA studies have not been reported for this variant. This variant has not been reported in individuals affected with BRCA1-related disorders in the literature. This variant has not been identified in the general population by the Genome Aggregation Database (gnomAD). The available evidence is insufficient to determine the role of this variant in disease conclusively. Therefore, this variant is classified as a Variant of Uncertain Significance.

PreventionGenetics, part of Exact Sciences
Classification: Uncertain significance for BRCA1-related condition. Last evaluated: 2024-04-05. Review status: no assertion criteria provided. Collection method: clinical testing. Allele origin: germline. Not counted in ClinVar's aggregate classification.
Comment: The BRCA1 c.4484+4A>G variant is predicted to interfere with splicing. This variant is predicted to alter splicing based on available splicing prediction programs (SpliceAI). However, such computer prediction programs are imperfect. To our knowledge, this variant has not been reported in the literature or in a large population database, indicating this variant is rare. At this time, the clinical significance of this variant is uncertain due to the absence of conclusive functional and genetic evidence.

Literature cited by the submitters: PubMed 17576681 (cited by Labcorp Genetics (formerly Invitae), Labcorp); PubMed 9536098 (cited by Labcorp Genetics (formerly Invitae), Labcorp); PubMed 30661751 (cited by Color Diagnostics, LLC DBA Color Health); PubMed 35449021 (cited by Color Diagnostics, LLC DBA Color Health).

NM_007294.4(BRCA1):c.4484+4A>G

Gene: BRCA1 (BRCA1 DNA repair associated; minus strand). Cytogenetic location: 17q21.31.
Variant type: single nucleotide variant.
Coding change: c.4484+4A>G on transcript NM_007294.4 (MANE Select); 4 bases into the intron after coding-DNA position 4484, A replaced by G.
Molecular consequence: intron variant.
Genome position (GRCh38, 1-based): chr17:43,076,484, T>C on the plus strand (A>G on the coding strand, the complement: BRCA1 is on the minus strand). VCF-style: chr17-43076484-T-C. GRCh37 (hg19) VCF-style: chr17-41228501-T-C.
Other names: c.4400+4A>G (NM_001407662.1, NM_001407660.1, NM_001407661.1 and 2 more transcripts); c.1094+4A>G (NM_001408412.1, NM_001408414.1, NM_001408413.1 and 2 more transcripts); c.1169+4A>G (NM_001408397.1, NM_001408401.1, NM_001408396.1 and 8 more transcripts); c.4403+4A>G (NM_001407656.1, NM_001407657.1, NM_001407658.1); c.962+4A>G (NM_001408481.1, NM_001408491.1, NM_001408485.1 and 5 more transcripts); c.965+4A>G (NM_001408480.1, NM_001408479.1, NM_001408478.1); c.4271+4A>G (NM_001407909.1, NM_001407894.1, NM_001407906.1 and 12 more transcripts); c.1049+4A>G (NM_001408435.1, NM_001408436.1, NM_001408433.1 and 10 more transcripts); and 71 more.
Identifiers: ClinVar variation 578400 (VCV000578400.16), dbSNP rs1567779433, ClinGen allele CA891844423.